The following is an entry in ClinVar:

ClinVar aggregate classification (germline): Uncertain significance (1 of 4 stars; one submission).

Conditions:
Dystonic disorder. Also called: Dystonia. Identifiers: MedGen C0013421, MONDO:0003441, HP:0001332.

Allele frequency attached by ClinVar (database versions not stated): ExAC 0.00001; ESP Exome Variant Server 0.00008.

Submission:

Labcorp Genetics (formerly Invitae), Labcorp
Classification: Uncertain significance for Dystonic disorder. Last evaluated: 2023-04-06. Review status: criteria provided, single submitter. Criteria: Invitae Variant Classification Sherloc (09022015). Collection method: clinical testing. Allele origin: germline.
Comment: This sequence change replaces valine, which is neutral and non-polar, with methionine, which is neutral and non-polar, at codon 355 of the CIZ1 protein (p.Val355Met). This variant is present in population databases (rs368666356, gnomAD 0.0009%). This variant has not been reported in the literature in individuals affected with CIZ1-related conditions. An algorithm developed to predict the effect of missense changes on protein structure and function (PolyPhen-2) suggests that this variant is likely to be disruptive. In summary, the available evidence is currently insufficient to determine the role of this variant in disease. Therefore, it has been classified as a Variant of Uncertain Significance.

NM_001131016.2(CIZ1):c.1063G>A (p.Val355Met)

Gene: CIZ1 (CDKN1A interacting zinc finger protein 1; minus strand). Cytogenetic location: 9q34.11.
Variant type: single nucleotide variant.
Coding change: c.1063G>A on transcript NM_001131016.2 (MANE Select); coding-DNA position 1063, G replaced by A.
Protein change: p.Val355Met; replaces valine 355 with methionine.
Molecular consequence: missense variant.
Genome position (GRCh38, 1-based): chr9:128,179,144, C>T on the plus strand (G>A on the coding strand, the complement: CIZ1 is on the minus strand). VCF-style: chr9-128179144-C-T. GRCh37 (hg19) VCF-style: chr9-130941423-C-T.
Other names: c.1063G>A, p.Val355Met (NM_001131015.2, NM_012127.3); c.1048G>A, p.Val350Met (NM_001131017.2); c.991G>A, p.Val331Met (NM_001131018.2); c.1153G>A, p.Val385Met (NM_001257975.2); c.760G>A, p.Val254Met (NM_001257976.2); short protein forms V355M, V385M, V254M, V331M, V350M.
Identifiers: ClinVar variation 3014750 (VCV003014750.3), dbSNP rs368666356, ClinGen allele CA5257385.